The following is an entry in ClinVar:

NM_001510.4(GRID2):c.2255A>G (p.Asn752Ser)

Gene: GRID2 (glutamate ionotropic receptor delta type subunit 2; plus strand). Cytogenetic location: 4q22.2.
Variant type: single nucleotide variant.
Coding change: c.2255A>G on transcript NM_001510.4 (MANE Select); coding-DNA position 2255, A replaced by G.
Protein change: p.Asn752Ser; replaces asparagine 752 with serine.
Molecular consequence: missense variant.
Genome position (GRCh38, 1-based): chr4:93,626,330, A>G. VCF-style: chr4-93626330-A-G. GRCh37 (hg19) VCF-style: chr4-94547481-A-G.
Other names: c.1970A>G, p.Asn657Ser (NM_001286838.1); c.2255A>G, p.Asn752Ser (NM_001440459.1); short protein forms N657S, N752S.
Identifiers: ClinVar variation 4532645 (VCV004532645.1).

ClinVar aggregate classification (germline): Uncertain significance (1 of 4 stars; one submission).

gnomAD v4.1: 2 of 1,602,772 alleles (0.00012%); highest among the groups gnomAD compares: Admixed American, 0.0017%; no homozygotes.

Submission:

GeneDx
Classification: Uncertain significance. Last evaluated: 2025-05-26. Review status: criteria provided, single submitter. Criteria: GeneDx Variant Classification Process June 2021. Collection method: clinical testing. Allele origin: germline. Affected: yes.
Comment: Not observed at significant frequency in large population cohorts (gnomAD); In silico analysis suggests that this missense variant does not alter protein structure/function; Has not been previously published as pathogenic or benign to our knowledge